The following is an entry in ClinVar:

NM_001035.3(RYR2):c.9067+12C>T

Gene: RYR2 (ryanodine receptor 2; plus strand). Cytogenetic location: 1q43.
Variant type: single nucleotide variant.
Coding change: c.9067+12C>T on transcript NM_001035.3 (MANE Select); 12 bases into the intron after coding-DNA position 9067, C replaced by T.
Molecular consequence: intron variant.
Genome position (GRCh38, 1-based): chr1:237,687,516, C>T. VCF-style: chr1-237687516-C-T. GRCh37 (hg19) VCF-style: chr1-237850816-C-T.
Identifiers: ClinVar variation 43835 (VCV000043835.33), dbSNP rs112365440, ClinGen allele CA011108.

ClinVar aggregate classification (germline): Conflicting classifications of pathogenicity. Review status: criteria provided, conflicting classifications (1 of 4 stars). 14 submissions from 13 submitters: Uncertain significance (1); Benign (7); Likely benign (1). 5 of the submissions do not count toward it. Last evaluated 2026-07-01.

Conditions:
Catecholaminergic polymorphic ventricular tachycardia 1. Also called: RYR2-Related Catecholaminergic Polymorphic Ventricular Tachycardia; VENTRICULAR TACHYCARDIA, STRESS-INDUCED POLYMORPHIC 1; VENTRICULAR TACHYCARDIA, CATECHOLAMINERGIC POLYMORPHIC, 1, WITH OR WITHOUT ATRIAL DYSFUNCTION AND/OR DILATED CARDIOMYOPATHY. Identifiers: Orphanet 3286, MedGen C1631597, MONDO:0011484, OMIM 604772.
Arrhythmogenic right ventricular dysplasia 2. Identifiers: MedGen C1832931.

Allele frequency attached by ClinVar (database versions not stated): ExAC 0.00174; 1000 Genomes Project 0.00040; gnomAD 0.00143 and 0.00140; gnomAD exomes 0.00147 and 0.00224; 1000 Genomes Project 30x 0.00031; TOPMed 0.00127; ESP Exome Variant Server 0.00166.
gnomAD v4.1: 3,445 of 1,601,008 alleles (0.22%); highest among the groups gnomAD compares: Non-Finnish European, 0.26%; 5 homozygotes.

Submissions (14):

CeGaT Center for Human Genetics Tuebingen
Classification: Likely benign. Last evaluated: 2026-07-01. Review status: criteria provided, single submitter. Criteria: CeGaT Center For Human Genetics Tuebingen Variant Classification Criteria Version 2. Collection method: clinical testing. Allele origin: germline. Affected: yes. Observed: 2 variant alleles.
Comment: RYR2: BS1

Labcorp Genetics (formerly Invitae), Labcorp
Classification: Benign for Catecholaminergic polymorphic ventricular tachycardia 1. Last evaluated: 2026-02-04. Review status: criteria provided, single submitter. Criteria: Invitae Variant Classification Sherloc (09022015). Collection method: clinical testing. Allele origin: germline.

Blueprint Genetics
Classification: Benign. Last evaluated: 2024-11-25. Review status: criteria provided, single submitter. Criteria: ACMG Guidelines, 2015. Collection method: clinical testing. Allele origin: germline.

ARUP Laboratories, Molecular Genetics and Genomics, ARUP Laboratories
Classification: Benign. Last evaluated: 2023-12-26. Review status: criteria provided, single submitter. Criteria: ARUP Molecular Germline Variant Investigation Process 2024. Collection method: clinical testing. Allele origin: germline.

Women's Health and Genetics/Laboratory Corporation of America, LabCorp
Classification: Benign. Last evaluated: 2021-05-17. Review status: criteria provided, single submitter. Criteria: LabCorp Variant Classification Summary - May 2015. Collection method: clinical testing. Allele origin: germline.
Comment: Variant summary: RYR2 c.9067+12C>T alters a conserved nucleotide located close to a canonical splice site and therefore could affect mRNA splicing, leading to a significantly altered protein sequence. 4/4 computational tools predict no significant impact on normal splicing. However, these predictions have yet to be confirmed by functional studies. The variant allele was found at a frequency of 0.0015 in 239310 control chromosomes. The observed variant frequency is approximately 43- fold the estimated maximal expected allele frequency for a pathogenic variant in RYR2 causing Catecholaminergic Polymorphic Ventricular Tachycardia phenotype (3.4e-05), strongly suggesting that the variant is benign. c.9067+12C>T has been reported in the literature in at least one individual affected with dilated cardiomyopathy (DCM, Pugh_2014). This report does not provide unequivocal conclusions about association of the variant with Catecholaminergic Polymorphic Ventricular Tachycardia. Co-occurrences with other pathogenic/ likely pathogenic variants have been reported (TTN c.69717_69718insC, p.Ser23240GlnfsX19,Pugh_2014 and KCNQ1 c.153C>G,p.Tyr51X, internal sample), providing supporting evidence for a benign role. To our knowledge, no experimental evidence demonstrating an impact on protein function has been reported. Three ClinVar submissions (evaluation after 2014) cite the variant as benign (n=2) and uncertain significance (n=1). Based on the evidence outlined above, the variant was classified as benign.

Illumina Laboratory Services, Illumina
Classification: Uncertain significance for Catecholaminergic polymorphic ventricular tachycardia 1. Last evaluated: 2018-05-15. Review status: criteria provided, single submitter. Criteria: ICSL Variant Classification Criteria 13 December 2019. Collection method: clinical testing. Allele origin: germline.

Illumina Laboratory Services, Illumina
Classification: Benign for Catecholaminergic polymorphic ventricular tachycardia 1. Last evaluated: 2018-05-15. Review status: criteria provided, single submitter. Criteria: ICSL Variant Classification Criteria 13 December 2019. Collection method: clinical testing. Allele origin: germline.
Comment: This variant was observed as part of a predisposition screen in an ostensibly healthy population. A literature search was performed for the gene, cDNA change, and amino acid change (where applicable). No publications were found based on this search. Allele frequency data from public databases was too high to be consistent with this variant causing disease. Therefore, this variant is classified as benign.

Laboratory for Molecular Medicine, Mass General Brigham Personalized Medicine
Classification: Benign. Last evaluated: 2017-08-31. Review status: criteria provided, single submitter. Criteria: LMM Criteria. Collection method: clinical testing. Allele origin: germline. Observed: 12 variant alleles.
Comment: c.9067+12C>T in intron 63 of RYR2: This variant is not expected to have clinical significance because it is not located within the splice consensus sequence. It has been identified in 0.3% (66/25344) of Finnish chromosomes by the Genome Agg regation Database (gnomAD; dbSNP rs112365440).

GeneDx
Classification: Benign. Last evaluated: 2015-03-03. Review status: criteria provided, single submitter. Criteria: GeneDx Variant Classification Process June 2021. Collection method: clinical testing. Allele origin: germline. Affected: yes.

Clinical Genetics DNA and cytogenetics Diagnostics Lab, Erasmus MC, Erasmus Medical Center
Classification: Likely benign. Review status: no assertion criteria provided. Collection method: clinical testing. Allele origin: germline. Affected: yes. Study: VKGL Data-share Consensus. Not counted in ClinVar's aggregate classification.

Clinical Genetics, Academic Medical Center
Classification: Benign. Review status: no assertion criteria provided. Collection method: clinical testing. Allele origin: germline. Affected: yes. Study: VKGL Data-share Consensus. Not counted in ClinVar's aggregate classification.

Diagnostic Laboratory, Department of Genetics, University Medical Center Groningen
Classification: Likely benign. Review status: no assertion criteria provided. Collection method: clinical testing. Allele origin: germline. Affected: yes. Study: VKGL Data-share Consensus. Not counted in ClinVar's aggregate classification.

Genome Diagnostics Laboratory, University Medical Center Utrecht
Classification: Benign. Review status: no assertion criteria provided. Collection method: clinical testing. Allele origin: germline. Affected: yes. Study: VKGL Data-share Consensus. Not counted in ClinVar's aggregate classification.

Joint Genome Diagnostic Labs from Nijmegen and Maastricht, Radboudumc and MUMC+
Classification: Benign. Review status: no assertion criteria provided. Collection method: clinical testing. Allele origin: germline. Affected: yes. Study: VKGL Data-share Consensus. Not counted in ClinVar's aggregate classification.

Literature cited by the submitters: PubMed 24503780 (cited by Women's Health and Genetics/Laboratory Corporation of America, LabCorp).